The following is an entry in ClinVar:

NM_000548.5(TSC2):c.2652_2655dup (p.Val886fs)

Gene: TSC2 (TSC complex subunit 2; plus strand). Cytogenetic location: 16p13.3.
Variant type: Duplication.
Coding change: c.2652_2655dup on transcript NM_000548.5 (MANE Select); coding-DNA positions 2652 to 2655, 4 bases duplicated (CATC; older notation c.2652_2655dupCATC).
Protein change: p.Val886fs; shifts the reading frame from valine 886.
Molecular consequence: frameshift variant. On other transcripts: non-coding transcript variant (5).
Genome position (GRCh38, 1-based): chr16:2,076,080-2,076,083, CATC duplicated. VCF-style (leftmost placement, unchanged base first): chr16-2076079-A-ACATC. GRCh37 (hg19) VCF-style: chr16-2126080-A-ACATC.
Other names: c.2652_2655dup, p.Val886fs (NM_001077183.3, NM_001114382.3, NM_001363528.2 and 6 more transcripts); c.2541_2544dup, p.Val849fs (NM_001318827.2, NM_001406670.1, NM_001406678.1); c.2505_2508dup, p.Val837fs (NM_001318829.2, NM_001406675.1, NM_001406676.1 and 1 more transcripts); c.2052_2055dup, p.Val686fs (NM_001318831.2, NM_001406680.1, NM_001406682.1 and 6 more transcripts); c.2685_2688dup, p.Val897fs (NM_001318832.2); c.2742_2745dup, p.Val916fs (NM_001406667.1, NM_001406668.1); c.2640_2643dup, p.Val882fs (NM_001406671.1, NM_001406673.1); c.2595_2598dup, p.Val867fs (NM_001406677.1); and 4 more; short protein forms V732fs, V867fs, V886fs, V916fs, V438fs, V686fs, V882fs, V352fs.
Identifiers: ClinVar variation 4556734 (VCV004556734.1).
Genomic context (GRCh38, chr16:2,076,079, plus strand): 5'-GATGTTTCCCTGCTGCCAGGATGGAGTGCCAGCCCCCTTCTCATCTCAGGTTTAATCAGT[A>ACATC]CATCGTGTGTCTGGCCCATCACGTCATAGCCATGTGGTTCATCAGGTGCCGCCTGCCCTT-3'

ClinVar aggregate classification (germline): Pathogenic (1 of 4 stars; one submission).

Conditions:
Hereditary cancer-predisposing syndrome. Also called: Tumor predisposition; Hereditary Cancer Syndrome; Hereditary neoplastic syndrome; Neoplastic Syndromes, Hereditary. Identifiers: Orphanet 140162, MedGen C0027672, MeSH D009386, MONDO:0015356.

Submission:

Ambry Genetics
Classification: Pathogenic for Hereditary cancer-predisposing syndrome. Last evaluated: 2025-09-30. Review status: criteria provided, single submitter. Criteria: Ambry Variant Classification Scheme 2023. Collection method: clinical testing. Allele origin: germline.
Comment: The c.2652_2655dupCATC pathogenic mutation, located in coding exon 23 of the TSC2 gene, results from a duplication of CATC at nucleotide position 2652, causing a translational frameshift with a predicted alternate stop codon (p.V886Hfs*30). This variant was reported in individual(s) with features consistent with tuberous sclerosis complex (Ambry internal data). This variant is considered to be rare based on population cohorts in the Genome Aggregation Database (gnomAD). This alteration is expected to result in loss of function by premature protein truncation or nonsense-mediated mRNA decay. As such, this alteration is interpreted as a disease-causing mutation.